The following is an entry in ClinVar:

ClinVar aggregate classification (germline): Likely benign. Review status: criteria provided, multiple submitters, no conflicts (2 of 4 stars). 3 submissions from 3 submitters: Likely benign (3). Last evaluated 2026-01-26.

Conditions:
Hereditary cancer-predisposing syndrome. Also called: Hereditary Cancer Syndrome; Hereditary neoplastic syndrome; Neoplastic Syndromes, Hereditary; Tumor predisposition. Identifiers: Orphanet 140162, MedGen C0027672, MeSH D009386, MONDO:0015356.

Allele frequency attached by ClinVar (database versions not stated): ExAC 0.00001; gnomAD exomes 0.00001; gnomAD 0.00002 and 0.00003; TOPMed 0.00003.
gnomAD v4.1: 7 of 1,614,122 alleles (0.00043%); highest among the groups gnomAD compares: Admixed American, 0.005%; no homozygotes.

Submissions (3):

Labcorp Genetics (formerly Invitae), Labcorp
Classification: Likely benign. Last evaluated: 2026-01-26. Review status: criteria provided, single submitter. Criteria: Invitae Variant Classification Sherloc (09022015). Collection method: clinical testing. Allele origin: germline.

Ambry Genetics
Classification: Likely benign for Hereditary cancer-predisposing syndrome. Last evaluated: 2017-09-12. Review status: criteria provided, single submitter. Criteria: Ambry Variant Classification Scheme 2023. Collection method: clinical testing. Allele origin: germline.

GeneDx
Classification: Likely benign. Last evaluated: 2017-08-08. Review status: criteria provided, single submitter. Criteria: GeneDx Variant Classification (06012015). Collection method: clinical testing. Allele origin: germline. Affected: yes.
Comment: This variant is considered likely benign or benign based on one or more of the following criteria: it is a conservative change, it occurs at a poorly conserved position in the protein, it is predicted to be benign by multiple in silico algorithms, and/or has population frequency not consistent with disease.

NM_006231.4(POLE):c.4380A>G (p.Ala1460=)

Gene: POLE (DNA polymerase epsilon, catalytic subunit; minus strand). Cytogenetic location: 12q24.33.
Variant type: single nucleotide variant.
Coding change: c.4380A>G on transcript NM_006231.4 (MANE Select); coding-DNA position 4380, A replaced by G.
Protein change: p.Ala1460=; no amino-acid change (alanine 1460 retained).
Molecular consequence: synonymous variant.
Genome position (GRCh38, 1-based): chr12:132,643,471, T>C on the plus strand (A>G on the coding strand, the complement: POLE is on the minus strand). VCF-style: chr12-132643471-T-C. GRCh37 (hg19) VCF-style: chr12-133220057-T-C.
Identifiers: ClinVar variation 390877 (VCV000390877.16), dbSNP rs758830037, ClinGen allele CA6892869.